The following is an entry in ClinVar:

ClinVar aggregate classification (germline): Pathogenic (1 of 4 stars; one submission).

Submission:

Labcorp Genetics (formerly Invitae), Labcorp
Classification: Pathogenic. Last evaluated: 2023-08-02. Review status: criteria provided, single submitter. Criteria: Invitae Variant Classification Sherloc (09022015). Collection method: clinical testing. Allele origin: germline.
Comment: For these reasons, this variant has been classified as Pathogenic. This sequence change creates a premature translational stop signal (p.Gly571Aspfs*5) in the TTC37 gene. It is expected to result in an absent or disrupted protein product. Loss-of-function variants in TTC37 are known to be pathogenic (PMID: 20176027, 21120949). This variant is not present in population databases (gnomAD no frequency). This variant has not been reported in the literature in individuals affected with TTC37-related conditions.

Literature cited by the submitters: PubMed 20176027; PubMed 21120949.

NM_014639.4(SKIC3):c.1710del (p.Gly571fs)

Gene: SKIC3 (SKI3 subunit of superkiller complex; minus strand). Cytogenetic location: 5q15.
Variant type: Deletion.
Coding change: c.1710del on transcript NM_014639.4 (MANE Select); coding-DNA position 1710, one base deleted (A; older notation c.1710delA).
Protein change: p.Gly571fs; shifts the reading frame from glycine 571.
Molecular consequence: frameshift variant.
Genome position (GRCh38, 1-based): chr5:95,523,249, T deleted on the plus strand (A on the coding strand, the reverse complement: SKIC3 is on the minus strand). VCF-style (leftmost placement, unchanged base first): chr5-95523248-CT-C. GRCh37 (hg19) VCF-style: chr5-94858952-CT-C.
Other names: short protein forms G571fs.
Identifiers: ClinVar variation 2845838 (VCV002845838.3), dbSNP rs2530767942, ClinGen allele CA2739274939.